The following is an entry in ClinVar:

NM_000488.4(SERPINC1):c.391C>T (p.Leu131Phe)

Gene: SERPINC1 (serpin family C member 1; minus strand). Cytogenetic location: 1q25.1.
Variant type: single nucleotide variant.
Coding change: c.391C>T on transcript NM_000488.4 (MANE Select); coding-DNA position 391, C replaced by T.
Protein change: p.Leu131Phe; replaces leucine 131 with phenylalanine.
Molecular consequence: missense variant.
Genome position (GRCh38, 1-based): chr1:173,914,570, G>A on the plus strand (C>T on the coding strand, the complement: SERPINC1 is on the minus strand). VCF-style: chr1-173914570-G-A. GRCh37 (hg19) VCF-style: chr1-173883708-G-A.
Other names: L99F; NM_000488.3(SERPINC1):c.391C>T; c.247C>T, p.Leu83Phe (NM_001365052.2); c.391C>T, p.Leu131Phe (NM_001386302.1, NM_001386304.1, NM_001386305.1 and 1 more transcripts); c.472C>T, p.Leu158Phe (NM_001386303.1); short protein forms L131F, L83F, L158F.
Identifiers: ClinVar variation 18034 (VCV000018034.24), dbSNP rs121909567, ClinGen allele CA210787.
Genomic context (GRCh38, chr1:173,914,570, plus strand): 5'-GTGCTCCTAACAAGGTGGCTGGGCAGAAGACCTTTGGTCGTACCTCCATCAGTTGCTGGA[G>A]GGTGTCATTACAGGCACCCAGCTTGGTCATAGCAAAAGCCGTGGAGATACTCAGGGGTGA-3'
Protein context (NP_000479.1, residues 121-141): MTKLGACNDT[Leu131Phe]QQLMEVFKFD

ClinVar aggregate classification (germline): Pathogenic. Review status: reviewed by expert panel (3 of 4 stars). 17 submissions from 16 submitters: Pathogenic (1). 16 of the submissions do not count toward it. Last evaluated 2023-09-21.

Conditions:
SERPINC1-related disorder. Also called: SERPINC1-related condition.
Hereditary antithrombin deficiency (AT3D). Also called: Antithrombin deficiency; Antithrombin III deficiency; Thrombophilia due to antithrombin III deficiency; Reduced antithrombin III activity. Identifiers: Orphanet 82, MedGen C0272375, MONDO:0013144, OMIM 613118, HP:0001976.
Deep venous thrombosis. Also called: Deep vein thrombosis. Identifiers: MedGen C0149871, MeSH D020246, HP:0002625.

Allele frequency attached by ClinVar (database versions not stated): gnomAD exomes 0.00002 and 0.00003; TOPMed 0.00002; gnomAD 0.00001; ExAC 0.00002.
gnomAD v4.1: 18 of 1,614,034 alleles (0.0011%); highest among the groups gnomAD compares: Non-Finnish European, 0.0014%; no homozygotes.

Submissions 1 to 10 of 17:

Clingen Thrombosis Variant Curation Expert Panel, ClinGen
Classification: Pathogenic for Hereditary antithrombin deficiency. Last evaluated: 2023-09-21. Review status: reviewed by expert panel. Criteria: ClinGen ACMG Specifications SERPINC1 V1.0.0. Collection method: curation. Allele origin: germline. Inheritance: Autosomal dominant inheritance.
Comment: The c.391C>T (NM_000488.3) variant in SERPINC1 is a missense variant predicted to cause substitution of leucine by phenylalanine at amino acid 131 (p.Leu131Phe; legacy nomenclature p.Leu99Phe, Antithrombin Budapest 3 (ATBp3)). The highest population minor allele frequency in gnomAD v2.1.1 is 0.00003516 (4/113752 alleles) in the non-Finnish European population, which does not meet criteria for PM2_Supporting (MAF =< 2.0 X 10-5 in gnomAD). The computational predictor REVEL gives a score of 0.853, which is above the threshold of >0.6 and provides evidence that correlates with impact to SERPINC1 function (PP3). The variant has been reported to segregate with AT deficiency in at least 11 affected family members from 2 families (PP1_Strong; PMIDs: 32686144, 24072242). This variant has been reported in at least 100 probands with AT deficiency and is a founder variant in the Hugarian population. Further studies of the Hungarian cohort demonstrated that homozygosity was associated with thrombosis at a younger age and led to a high thrombotic risk while the heterozygous carriers also had venous and/or arterial thrombosis, as well as pregnancy complications. This variant was also reported in internal laboratory data (PS4_Very Strong; PMIDs: 26748602, 1555650, 32686144). In summary, this variant meets criteria to be classified as pathogenic. ACMG/AMP criteria applied, as specified by the Thrombosis Variant Curation Expert Panel for SERPINC1: PP1_strong, PP3, PS4_Very Strong

Labcorp Genetics (formerly Invitae), Labcorp
Classification: Pathogenic for Hereditary antithrombin deficiency. Last evaluated: 2025-12-01. Review status: criteria provided, single submitter. Criteria: Invitae Variant Classification Sherloc (09022015). Collection method: clinical testing. Allele origin: germline. Not counted in ClinVar's aggregate classification.
Comment: This sequence change replaces leucine, which is neutral and non-polar, with phenylalanine, which is neutral and non-polar, at codon 131 of the SERPINC1 protein (p.Leu131Phe). This variant is present in population databases (rs121909567, gnomAD 0.004%). This missense change has been observed in individuals with antithrombin deficiency (PMID: 22498748, 24072242, 24158114, 26748602). It has also been observed to segregate with disease in related individuals. This variant is also known as p.L99F. ClinVar contains an entry for this variant (Variation ID: 18034). Invitae Evidence Modeling of protein sequence and biophysical properties (such as structural, functional, and spatial information, amino acid conservation, physicochemical variation, residue mobility, and thermodynamic stability) indicates that this missense variant is expected to disrupt SERPINC1 protein function with a positive predictive value of 95%. Experimental studies have shown that this missense change affects SERPINC1 function (PMID: 1555650, 22498748, 29215785). For these reasons, this variant has been classified as Pathogenic.

Centre for Clinical Genetics and Genomic Diagnostics, Zealand University Hospital
Classification: Pathogenic. Last evaluated: 2025-06-18. Review status: criteria provided, single submitter. Criteria: ACMG Guidelines, 2015. Collection method: clinical testing. Allele origin: germline. Affected: no. Not counted in ClinVar's aggregate classification.

Women's Health and Genetics/Laboratory Corporation of America, LabCorp
Classification: Pathogenic for Hereditary antithrombin deficiency. Last evaluated: 2025-05-16. Review status: criteria provided, single submitter. Criteria: LabCorp Variant Classification Summary - May 2015. Collection method: clinical testing. Allele origin: germline. Not counted in ClinVar's aggregate classification.
Comment: Variant summary: SERPINC1 c.391C>T (p.Leu131Phe), also known as Antithrombin Budapest 3, results in a non-conservative amino acid change in the encoded protein sequence. Algorithms developed to predict the effect of missense changes on protein structure and function all suggest that this variant is likely to be disruptive. The variant allele was found at a frequency of 1.6e-05 in 251466 control chromosomes. c.391C>T has been observed in multiple individuals in both the heterozygous and homozygous state affected with Antithrombin III Deficiency, with homozygous individuals experiencing an earlier onset and more severe phenotype. In many instances, heterozygous individuals were asymptomatic (e.g. Martinez-Martinez_2012, Sarper_2014, Olds_1992, Kovac_2019). At least one publication reports experimental evidence evaluating an impact on protein function. The most pronounced variant effect results in reduced heparin affinity and inhibitory activity (Dinarvand_2018). The following publications have been ascertained in the context of this evaluation (PMID: 29215785, 30458337, 22498748, 1555650, 24072242). ClinVar contains an entry for this variant (Variation ID: 18034). Based on the evidence outlined above, the variant was classified as pathogenic.

Variantyx, Inc.
Classification: Likely pathogenic for Hereditary antithrombin deficiency. Last evaluated: 2025-05-05. Review status: criteria provided, single submitter. Criteria: Variantyx Assertion Criteria 2022. Collection method: clinical testing. Allele origin: germline. Inheritance: Semidominant inheritance. Not counted in ClinVar's aggregate classification.
Comment: This is a nonsynonymous variant in the SERPINC1 gene (OMIM: 107300). Pathogenic variants in this gene have been associated with semidominant thrombophilia 7 due to antithrombin III deficiency. This is an established founder variant in the Hugarian population (PMID: 33614741) (PS4). Functional studies have shown that this variant alters SERPINC1 protein function (PMID: 1555650) (PS3_Supporting), and multiple computational algorithms predict a deleterious effect for this variant (REVEL score: 0.853) (PP3_Moderate). This variant has a 0.0041% maximum allele frequency in non-founder control populations (PM2_Supporting). Other reputable laboratories have reported this variant as pathogenic or likely pathogenic, and this classification has been validated by an expert panel in ClinVar (PP5). Based on the current evidence, this variant is classified as likely pathogenic for autosomal dominant or autosomal recessive thrombophilia 7 due to antithrombin III deficiency.

Mayo Clinic Laboratories, Mayo Clinic
Classification: Pathogenic. Last evaluated: 2025-04-05. Review status: criteria provided, single submitter. Criteria: ACMG Guidelines, 2015. Collection method: clinical testing. Allele origin: germline. Observed: 1 variant allele. Not counted in ClinVar's aggregate classification.
Comment: PP1_strong, PP3_moderate, PP5, PS4_very_strong

GeneDx
Classification: Pathogenic. Last evaluated: 2025-03-07. Review status: criteria provided, single submitter. Criteria: GeneDx Variant Classification Process June 2021. Collection method: clinical testing. Allele origin: germline. Affected: yes. Not counted in ClinVar's aggregate classification.
Comment: Published functional studies demonstrate a damaging effect through impairment of antithrombins heparin-binding affinity, structural stability, and anticoagulant function (PMID: 29215785, 33917853); In silico analysis indicates that this missense variant does not alter protein structure/function; This variant is associated with the following publications: (PMID: 31064749, 27322714, 11192751, 28361296, 29296762, 30458337, 29582922, 31359133, 32686144, 34513101, 34426522, 31589614, 33614741, 35626216, 36764659, 38523675, 34324211, 39129027, 34765649, 39933654, 37670493, 33738814, 38474138, 30975910, 25466846, 37201530, 28607330, 33866212, 32151802, 36054979, 1555650, 26916305, 28892658, 25837307, 24702813, 29655003, 20088933, 33477601, Schober2019[Abstract], 24158114, 27214036, 22498748, 33917853, 33672736, 26748602, 24072242, 29215785)

Blueprint Genetics
Classification: Pathogenic for SERPINC1-related disorders. Last evaluated: 2024-10-23. Review status: criteria provided, single submitter. Criteria: ACMG Guidelines, 2015. Collection method: clinical testing. Allele origin: germline. Affected: yes. Observed: 5 variant alleles. Not counted in ClinVar's aggregate classification.

Laboratoire Génétique Moléculaire, CHRU TOURS
Classification: Pathogenic for Hereditary antithrombin deficiency. Last evaluated: 2023-06-23. Review status: criteria provided, single submitter. Criteria: ACMG Guidelines, 2015. Collection method: clinical testing. Allele origin: biparental. Affected: yes. Not counted in ClinVar's aggregate classification.
Comment: PS3;PS4;PM3;PP3;PP5

MGZ Medical Genetics Center
Classification: Pathogenic for Hereditary antithrombin deficiency. Last evaluated: 2022-02-14. Review status: criteria provided, single submitter. Criteria: ACMG Guidelines, 2015. Collection method: clinical testing. Allele origin: germline. Affected: yes. Observed: 1 variant allele. Not counted in ClinVar's aggregate classification.
Comment: ACMG criteria applied: PS3, PM3_STR, PM2_SUP, PP3